The following is an entry in ClinVar:

ClinVar aggregate classification (somatic clinical impact): Tier II - Potential (1 of 4 stars; one submission).

Conditions:
Medulloblastoma WNT activated. Identifiers: MedGen C4331965, MONDO:0850196.

Submission:

Institute for Genomic Medicine (IGM) Clinical Laboratory, Nationwide Children's Hospital
Classification: Tier II - Potential for Medulloblastoma WNT activated. Assertion type: diagnostic. Clinical significance: supports diagnosis. Last evaluated: 2023-08-21. Review status: criteria provided, single submitter. Criteria: AMP/ASCO/CAP Guidelines, 2017. Collection method: clinical testing. Allele origin: somatic. Affected: yes.
Comment: Variant has Tier II (potential) clinical significance as a diagnostic inclusion criterion in medulloblastoma WNT activated, based on the following evidence: 1) Documented in one or more cancer databases (e.g., St. Jude Pecan, COSMIC, CIViC, OncoKB). 2) Information in the literature supports potential biologic effect of variant (PMID: 26956253). 3) Diagnostic significance based on multiple small studies (Evidence Level C; PMIDs: 22722829, 28726821, 24710217).

Literature cited by the submitters: PubMed 26956253; PubMed 22722829; PubMed 28726821; PubMed 24710217.

NM_004380.3(CREBBP):c.5040_5042del (p.Leu1681del)

Gene: CREBBP (CREB binding lysine acetyltransferase; minus strand). Cytogenetic location: 16p13.3.
Variant type: Deletion.
Coding change: c.5040_5042del on transcript NM_004380.3 (MANE Select); coding-DNA positions 5040 to 5042, 3 bases deleted (CTT; older notation c.5040_5042delCTT).
Protein change: p.Leu1681del; deletes leucine 1681.
Genome position (GRCh38, 1-based): chr16:3,731,322-3,731,324, AAG deleted on the plus strand (CTT on the coding strand, the reverse complement: CREBBP is on the minus strand). VCF-style (leftmost placement, unchanged base first): chr16-3731321-CAAG-C. GRCh37 (hg19) VCF-style: chr16-3781322-CAAG-C.
Other names: c.4926_4928del, p.Leu1643del (NM_001079846.1); short protein forms L1643del, L1681del.
Identifiers: ClinVar variation 4530113 (VCV004530113.1).